The following is an entry in ClinVar:

NM_006096.4(NDRG1):c.893C>T (p.Pro298Leu)

Gene: NDRG1 (N-myc downstream regulated 1; minus strand). Cytogenetic location: 8q24.22.
Variant type: single nucleotide variant.
Coding change: c.893C>T on transcript NM_006096.4 (MANE Select); coding-DNA position 893, C replaced by T.
Protein change: p.Pro298Leu; replaces proline 298 with leucine.
Molecular consequence: missense variant.
Genome position (GRCh38, 1-based): chr8:133,242,073, G>A on the plus strand (C>T on the coding strand, the complement: NDRG1 is on the minus strand). VCF-style: chr8-133242073-G-A. GRCh37 (hg19) VCF-style: chr8-134254316-G-A.
Other names: c.893C>T, p.Pro298Leu (NM_001135242.2, NM_001374845.1, NM_001374846.1); c.695C>T, p.Pro232Leu (NM_001258432.2, NM_001374847.1); c.650C>T, p.Pro217Leu (NM_001258433.2); c.944C>T, p.Pro315Leu (NM_001374844.1); short protein forms P298L, P217L, P232L, P315L.
Identifiers: ClinVar variation 410956 (VCV000410956.7), dbSNP rs753836263, ClinGen allele CA16612473.
Genomic context (GRCh38, chr8:133,242,073, plus strand): 5'-CCATACTCACTGTATCCCATGCCCTGCACGAAGTACTTGAAGGCCTCAGCGAGCTTGGCC[G>A]GCTGCGAGAGACAAGGAGAGAAAATGCAGTCAGTTGCTGGGGAGCCAGATCACCCGAGGC-3'
Protein context (NP_006087.2, residues 288-308): DCGGLPQISQ[Pro298Leu]AKLAEAFKYF

ClinVar aggregate classification (germline): Uncertain significance. Review status: criteria provided, multiple submitters, no conflicts (2 of 4 stars). 2 submissions from 2 submitters: Uncertain significance (2). Last evaluated 2021-08-31.

Conditions:
Charcot-Marie-Tooth disease type 4. Also called: Charcot-Marie-Tooth disease, type IV; Charcot-Marie-Tooth, Type 4. Identifiers: Orphanet 64749, MedGen C4082197, MONDO:0018995.

Allele frequency attached by ClinVar (database versions not stated): TOPMed below 0.00001; gnomAD exomes 0.00001.
gnomAD v4.1: 6 of 1,614,198 alleles (0.00037%); highest among the groups gnomAD compares: Admixed American, 0.0017%; no homozygotes.

Submissions (2):

Labcorp Genetics (formerly Invitae), Labcorp
Classification: Uncertain significance for Charcot-Marie-Tooth disease type 4. Last evaluated: 2021-08-31. Review status: criteria provided, single submitter. Criteria: Invitae Variant Classification Sherloc (09022015). Collection method: clinical testing. Allele origin: germline.
Comment: This sequence change replaces proline with leucine at codon 298 of the NDRG1 protein (p.Pro298Leu). The proline residue is highly conserved and there is a moderate physicochemical difference between proline and leucine. This variant is not present in population databases (ExAC no frequency). This variant has not been reported in the literature in individuals affected with NDRG1-related conditions. Algorithms developed to predict the effect of missense changes on protein structure and function (SIFT, PolyPhen-2, Align-GVGD) all suggest that this variant is likely to be disruptive. In summary, the available evidence is currently insufficient to determine the role of this variant in disease. Therefore, it has been classified as a Variant of Uncertain Significance.

Blueprint Genetics
Classification: Uncertain significance. Last evaluated: 2020-12-28. Review status: criteria provided, single submitter. Criteria: ACMG Guidelines, 2015. Collection method: clinical testing. Allele origin: germline.